The following is an entry in ClinVar:

ClinVar aggregate classification (germline): Pathogenic/Likely pathogenic. Review status: criteria provided, multiple submitters, no conflicts (2 of 4 stars). 3 submissions from 3 submitters: Pathogenic (2); Likely pathogenic (1). Last evaluated 2022-11-25.

Conditions:
Cerebral cavernous malformation (CCM). Also called: Cavernous Hemangioma of Brain; Cerebral cavernous hemangioma (type); Cerebral cavernous malformations; CAVERNOUS ANGIOMA, FAMILIAL; CAVERNOUS ANGIOMATOUS MALFORMATIONS; CEREBRAL CAPILLARY MALFORMATIONS. Identifiers: Orphanet 221061, MedGen C2919945, MONDO:0000820, OMIM 116860, HP:0033522.

Allele frequency attached by ClinVar (database versions not stated): gnomAD 0.00001; gnomAD exomes 0.00001; ESP Exome Variant Server 0.00008.
gnomAD v4.1: 8 of 1,612,272 alleles (0.0005%); highest among the groups gnomAD compares: African/African-American, 0.0013%; no homozygotes.

Submissions (3):

GeneDx
Classification: Pathogenic. Last evaluated: 2022-11-25. Review status: criteria provided, single submitter. Criteria: GeneDx Variant Classification Process June 2021. Collection method: clinical testing. Allele origin: germline. Affected: yes.
Comment: Nonsense variant predicted to result in protein truncation or nonsense mediated decay in a gene for which loss-of-function is a known mechanism of disease; Not observed in large population cohorts (gnomAD); Has not been previously published as pathogenic or benign to our knowledge

PreventionGenetics, part of Exact Sciences
Classification: Likely pathogenic. Last evaluated: 2017-03-20. Review status: criteria provided, single submitter. Criteria: ACMG Guidelines, 2015. Collection method: clinical testing. Allele origin: germline.

Clinical Genetics Service, Universitary Hospital 12 de Octubre
Classification: Pathogenic for Cerebral cavernous malformation. Review status: criteria provided, single submitter. Criteria: ACMG Guidelines, 2015. Collection method: clinical testing. Allele origin: germline. Affected: yes.

NM_194454.3(KRIT1):c.850C>T (p.Arg284Ter)

Gene: KRIT1 (KRIT1 ankyrin repeat containing; minus strand). Cytogenetic location: 7q21.2.
Variant type: single nucleotide variant.
Coding change: c.850C>T on transcript NM_194454.3 (MANE Select); coding-DNA position 850, C replaced by T.
Protein change: p.Arg284Ter; replaces arginine 284 with a stop codon.
Molecular consequence: nonsense. On other transcripts: intron variant (3).
Genome position (GRCh38, 1-based): chr7:92,234,588, G>A on the plus strand (C>T on the coding strand, the complement: KRIT1 is on the minus strand). VCF-style: chr7-92234588-G-A. GRCh37 (hg19) VCF-style: chr7-91863902-G-A.
Other names: c.136C>T, p.Arg46Ter (NM_001350671.1); c.850C>T, p.Arg284Ter (NM_001350672.1, NM_001350673.1, NM_001350674.1 and 26 more transcripts); c.845+220C>T (NM_001350669.1, NM_001013406.2, NM_001350670.1); short protein forms R284*, R46*.
Identifiers: ClinVar variation 590758 (VCV000590758.6), dbSNP rs374662170, ClinGen allele CA161910074.